The following is an entry in ClinVar:

NM_001040108.2(MLH3):c.927T>A (p.Asn309Lys)

Gene: MLH3 (mutL homolog 3; minus strand). Cytogenetic location: 14q24.3.
Variant type: single nucleotide variant.
Coding change: c.927T>A on transcript NM_001040108.2 (MANE Select); coding-DNA position 927, T replaced by A.
Protein change: p.Asn309Lys; replaces asparagine 309 with lysine.
Molecular consequence: missense variant.
Genome position (GRCh38, 1-based): chr14:75,048,729, A>T on the plus strand (T>A on the coding strand, the complement: MLH3 is on the minus strand). VCF-style: chr14-75048729-A-T. GRCh37 (hg19) VCF-style: chr14-75515432-A-T.
Other names: c.927T>A, p.Asn309Lys (NM_014381.3); short protein forms N309K.
Identifiers: ClinVar variation 1766421 (VCV001766421.3), dbSNP rs1383607570, ClinGen allele CA390448726.

ClinVar aggregate classification (germline): Uncertain significance (1 of 4 stars; one submission).

gnomAD v4.1: 2 of 1,614,032 alleles (0.00012%); highest among the groups gnomAD compares: Admixed American, 0.0017%; no homozygotes.

Submission:

Ambry Genetics
Classification: Uncertain significance. Last evaluated: 2024-07-24. Review status: criteria provided, single submitter. Criteria: Ambry Variant Classification Scheme 2023. Collection method: clinical testing. Allele origin: germline.
Comment: The p.N309K variant (also known as c.927T>A), located in coding exon 1 of the MLH3 gene, results from a T to A substitution at nucleotide position 927. The asparagine at codon 309 is replaced by lysine, an amino acid with similar properties. This amino acid position is conserved. In addition, the in silico prediction for this alteration is inconclusive. Since supporting evidence is limited at this time, the clinical significance of this alteration remains unclear.